The following is an entry in ClinVar:

ClinVar aggregate classification (germline): Likely pathogenic (1 of 4 stars; one submission).

Conditions:
Pili torti-developmental delay-neurological abnormalities syndrome. Identifiers: Orphanet 2891, MedGen C1849811, MONDO:0009871, OMIM 261990.

Submission:

First Genomix Gene Laboratory, Genetic Diagnostics Department
Classification: Likely pathogenic for Pili torti-developmental delay-neurological abnormalities syndrome. Last evaluated: 2025-09-19. Review status: criteria provided, single submitter. Criteria: ACMG Guidelines, 2015. Collection method: clinical testing. Allele origin: germline. Inheritance: Autosomal recessive inheritance. Affected: no. Observed: 1 variant allele.

NM_001098672.2(HEPHL1):c.2906-1G>C

Gene: HEPHL1 (hephaestin like 1; plus strand). Cytogenetic location: 11q21.
Variant type: single nucleotide variant.
Coding change: c.2906-1G>C on transcript NM_001098672.2 (MANE Select); the canonical splice acceptor site of the intron before coding-DNA position 2906, G replaced by C.
Molecular consequence: splice acceptor variant.
Genome position (GRCh38, 1-based): chr11:94,105,990, G>C. VCF-style: chr11-94105990-G-C. GRCh37 (hg19) VCF-style: chr11-93839156-G-C.
Identifiers: ClinVar variation 4850366 (VCV004850366.1).